The following is an entry in ClinVar:

ClinVar aggregate classification (germline): Pathogenic/Likely pathogenic. Review status: criteria provided, multiple submitters, no conflicts (2 of 4 stars). 7 submissions from 7 submitters: Pathogenic (3); Likely pathogenic (3). 1 of the submissions does not count toward it. Last evaluated 2025-11-26.

Conditions:
TH-deficient dopa-responsive dystonia. Also called: Segawa syndrome, autosomal recessive; Tyrosine Hydroxylase-Deficient Dopa-Responsive Dystonia; DYT-TH. Identifiers: Orphanet 101150, MedGen C2673535, MONDO:0011551, OMIM 605407.

Allele frequency attached by ClinVar (database versions not stated): gnomAD 0.00001 and below 0.00001; gnomAD exomes 0.00002; TOPMed 0.00003.

Submissions (7):

Labcorp Genetics (formerly Invitae), Labcorp
Classification: Pathogenic for TH-deficient dopa-responsive dystonia. Last evaluated: 2025-11-26. Review status: criteria provided, single submitter. Criteria: Invitae Variant Classification Sherloc (09022015). Collection method: clinical testing. Allele origin: germline.
Comment: This variant occurs in a non-coding region of the TH gene. It does not change the encoded amino acid sequence of the TH protein. This variant is not present in population databases (gnomAD no frequency). This variant has been observed in individual(s) with tyrosine hydroxylase deficiency (PMID: 17696123, 21465550; internal data). In at least one individual the data is consistent with being in trans (on the opposite chromosome) from a pathogenic variant. ClinVar contains an entry for this variant (Variation ID: 526213). For these reasons, this variant has been classified as Pathogenic.

GeneDx
Classification: Pathogenic. Last evaluated: 2024-11-14. Review status: criteria provided, single submitter. Criteria: GeneDx Variant Classification Process June 2021. Collection method: clinical testing. Allele origin: germline. Affected: yes.
Comment: Published functional studies found this variant is associated with significantly reduced gene expression and reduced transcription factor binding (PMID: 25910213); No data available from control populations to assess the frequency of this variant; This variant is associated with the following publications: (PMID: 21465550, 17696123, 25910213)

Natera, Inc.
Classification: Likely pathogenic for Autosomal recessive Segawa syndrome. Last evaluated: 2024-07-08. Review status: criteria provided, single submitter. Criteria: Natera Variant Classification Schema (03/2026). Collection method: clinical testing. Allele origin: germline.
Comment: The c.-70G>A variant in TH is a 5' untranslated region (UTR) variant located upstream of the translation start codon. This variant is rare in the general population with a frequency below the threshold expected for the associated phenotype(s). This variant has been observed in one or more individuals affected with the associated recessive disease, as either homozygous or compound heterozygous with a second variant (PMID: 17696123, 25468651). Additionally, this variant has been observed to segregate in affected family members (PMID: 17696123). Computational prediction algorithms indicate this variant is likely to affect gene or protein function. Given the available evidence, this variant is classified as Likely Pathogenic.

3billion
Classification: Likely pathogenic for TH-deficient dopa-responsive dystonia. Last evaluated: 2024-06-03. Review status: criteria provided, single submitter. Criteria: ACMG Guidelines, 2015. Collection method: clinical testing. Allele origin: germline. Affected: yes.
Comment: The variant is observed at an extremely low frequency in the gnomAD v4.0.0 dataset (total allele frequency: 0.002%). Predicted Consequence/Location: Non coding variant The variant has been reported at least twice as pathogenic with clinical assertions and evidence for the classification (ClinVar ID: VCV000526213 /PMID: 17696123). Therefore, this variant is classified as Likely pathogenic according to the recommendation of ACMG/AMP guideline.

Baylor Genetics
Classification: Likely pathogenic for TH-deficient dopa-responsive dystonia. Last evaluated: 2024-03-25. Review status: criteria provided, single submitter. Criteria: ACMG Guidelines, 2015. Collection method: clinical testing. Allele origin: unknown.

CeGaT Center for Human Genetics Tuebingen
Classification: Pathogenic. Last evaluated: 2022-02-01. Review status: criteria provided, single submitter. Criteria: CeGaT Center For Human Genetics Tuebingen Variant Classification Criteria Version 2. Collection method: clinical testing. Allele origin: germline. Affected: yes. Observed: 2 variant alleles.

OMIM
Classification: Pathogenic for SEGAWA SYNDROME, AUTOSOMAL RECESSIVE. Last evaluated: 2007-10-01. Review status: no assertion criteria provided. Collection method: literature only. Allele origin: germline. Not counted in ClinVar's aggregate classification.

Literature cited by the submitters: PubMed 17696123 (cited by 4 submitters); PubMed 21465550 (cited by Labcorp Genetics (formerly Invitae), Labcorp); PubMed 25468651 (cited by Natera, Inc.); PubMed 9235905 (cited by OMIM).

NC_000011.10:g.2171856C>T

Gene: TH (tyrosine hydroxylase; minus strand). Cytogenetic location: 11p15.5.
Variant type: single nucleotide variant.
Genome position: GRCh38 VCF-style: chr11-2171856-C-T. GRCh37 (hg19) VCF-style: chr11-2193086-C-T.
Other names: -70G-A; c.-70G>A (NM_000360.4).
Identifiers: ClinVar variation 526213 (VCV000526213.41), dbSNP rs1372180906, ClinGen allele CA658797585.
Genomic context (GRCh38, chr11:2,171,856, plus strand): 5'-TGGAGGTCCGGGCTCCGTCTCCACAGCCCTGGCCCAGCAGCCTCTTATAAGCTGAGCTGA[C>T]GTCAAAGCCCCCTCTGGGTCCCCCACCTTCCCCTCCTTACATCCCCCACCCCTGCCTGCT-3'